The following is an entry in ClinVar:

ClinVar aggregate classification (germline): Uncertain significance (1 of 4 stars; one submission).

Conditions:
DICER1-related tumor predisposition. Also called: DICER1-related pleuropulmonary blastoma cancer predisposition syndrome; DICER1 syndrome. Identifiers: Orphanet 284343, MedGen C3839822, MONDO:0100216.

Submission:

Labcorp Genetics (formerly Invitae), Labcorp
Classification: Uncertain significance for DICER1-related tumor predisposition. Last evaluated: 2023-12-24. Review status: criteria provided, single submitter. Criteria: Invitae Variant Classification Sherloc (09022015). Collection method: clinical testing. Allele origin: germline.
Comment: This sequence change replaces cysteine, which is neutral and slightly polar, with glycine, which is neutral and non-polar, at codon 1197 of the DICER1 protein (p.Cys1197Gly). This variant is not present in population databases (gnomAD no frequency). This variant has not been reported in the literature in individuals affected with DICER1-related conditions. ClinVar contains an entry for this variant (Variation ID: 2087500). An algorithm developed to predict the effect of missense changes on protein structure and function (PolyPhen-2) suggests that this variant is likely to be tolerated. In summary, the available evidence is currently insufficient to determine the role of this variant in disease. Therefore, it has been classified as a Variant of Uncertain Significance.

NM_177438.3(DICER1):c.3589T>G (p.Cys1197Gly)

Gene: DICER1 (dicer 1, ribonuclease III; minus strand). Cytogenetic location: 14q32.13.
Variant type: single nucleotide variant.
Coding change: c.3589T>G on transcript NM_177438.3 (MANE Select); coding-DNA position 3589, T replaced by G.
Protein change: p.Cys1197Gly; replaces cysteine 1197 with glycine.
Molecular consequence: missense variant. On other transcripts: non-coding transcript variant (6).
Genome position (GRCh38, 1-based): chr14:95,103,807, A>C on the plus strand (T>G on the coding strand, the complement: DICER1 is on the minus strand). VCF-style: chr14-95103807-A-C. GRCh37 (hg19) VCF-style: chr14-95570144-A-C.
Other names: c.3589T>G, p.Cys1197Gly (NM_001195573.1, NM_001271282.3, NM_001291628.2 and 13 more transcripts); c.3307T>G, p.Cys1103Gly (NM_001395686.1); c.3184T>G, p.Cys1062Gly (NM_001395687.1, NM_001395688.1, NM_001395689.1 and 2 more transcripts); c.3022T>G, p.Cys1008Gly (NM_001395691.1); c.1906T>G, p.Cys636Gly (NM_001395697.1); short protein forms C1197G, C1008G, C1103G, C1062G, C636G.
Identifiers: ClinVar variation 2087500 (VCV002087500.4), dbSNP rs2542707033, ClinGen allele CA390874798.
Genomic context (GRCh38, chr14:95,103,807, plus strand): 5'-ATGAGGTAGTTGGTTGCACGGGTATTTCCTGCTTGTAGTAATTTAGCTGATTTCCTTGGC[A>C]AAAGTCTCTGTTAGCTAAATCATAACTGCCATTGGCGAGATTTTGATTGTAAGAAAGACC-3'
Protein context (NP_803187.1, residues 1187-1207): GSYDLANRDF[Cys1197Gly]QGNQLNYYKQ